The following is an entry in ClinVar:

ClinVar aggregate classification (germline): Likely pathogenic. Review status: criteria provided, multiple submitters, no conflicts (2 of 4 stars). 2 submissions from 2 submitters: Likely pathogenic (2). Last evaluated 2024-10-17.

Conditions:
Severe early-childhood-onset retinal dystrophy (STGD1). Also called: Stargardt macular dystrophy; Juvenile onset macular degeneration; Stargardt disease 1; MACULAR DYSTROPHY WITH FLECKS, TYPE 1; STGD. Identifiers: Orphanet 364055, Orphanet 827, MedGen C1855465, MeSH D000080362, MONDO:0009549, OMIM 248200.
ABCA4-related disorder. Also called: ABCA4-related condition; ABCA4-related disorders. Identifiers: MedGen CN239167.

Submissions (2):

3billion
Classification: Likely pathogenic for Severe early-childhood-onset retinal dystrophy. Last evaluated: 2024-10-17. Review status: criteria provided, single submitter. Criteria: ACMG Guidelines, 2015. Collection method: clinical testing. Allele origin: germline. Affected: yes.
Comment: The variant is observed at an extremely low frequency in the gnomAD v4.1.0 dataset (total allele frequency: <0.001%). Predicted Consequence/Location: Frameshift: predicted to result in a loss or disruption of normal protein function through nonsense-mediated decay (NMD) or protein truncation. Multiple pathogenic variants are reported downstream of the variant. The variant has been reported as of uncertain significance (PMID: 31964843). Therefore, this variant is classified as Likely pathogenic according to the recommendation of ACMG/AMP guideline.

Blueprint Genetics
Classification: Likely pathogenic for ABCA4-related disorders. Last evaluated: 2023-08-16. Review status: criteria provided, single submitter. Criteria: ACMG Guidelines, 2015. Collection method: clinical testing. Allele origin: germline. Affected: yes. Observed: 2 variant alleles.

NM_000350.3(ABCA4):c.4383_4396del (p.Trp1461fs)

Gene: ABCA4 (ATP binding cassette subfamily A member 4; minus strand). Cytogenetic location: 1p22.1.
Variant type: Deletion.
Coding change: c.4383_4396del on transcript NM_000350.3 (MANE Select); coding-DNA positions 4383 to 4396, 14 bases deleted (GAAGACTCCTTCTG).
Protein change: p.Trp1461fs; shifts the reading frame from tryptophan 1461.
Molecular consequence: frameshift variant.
Genome position (GRCh38, 1-based): chr1:94,029,588-94,029,601, CAGAAGGAGTCTTC deleted on the plus strand (GAAGACTCCTTCTG on the coding strand, the reverse complement: ABCA4 is on the minus strand); deleting any 14 consecutive bases within chr1:94,029,588-94,029,604 gives the same sequence; the c. name uses the placement nearest the transcript's 3' end. VCF-style (leftmost placement, unchanged base first): chr1-94029587-ACAGAAGGAGTCTTC-A. GRCh37 (hg19) VCF-style: chr1-94495143-ACAGAAGGAGTCTTC-A.
Other names: c.4161_4174del, p.Trp1387fs (NM_001425324.1); short protein forms W1387fs, W1461fs.
Identifiers: ClinVar variation 4294002 (VCV004294002.2).